The following is an entry in ClinVar:

ClinVar aggregate classification (germline): Likely benign. Review status: criteria provided, multiple submitters, no conflicts (2 of 4 stars). 4 submissions from 4 submitters: Likely benign (4). Last evaluated 2025-12-24.

Conditions:
Cardiovascular phenotype. Identifiers: MedGen CN230736.
Long QT syndrome (LQTS). Identifiers: MedGen C0023976, MeSH D008133, MONDO:0002442. Disease mechanism: loss of function. Inheritance: Various modes of inheritance.

Allele frequency attached by ClinVar (database versions not stated): ExAC 0.00001; gnomAD 0.00001; gnomAD exomes 0.00002; TOPMed 0.00003.
gnomAD v4.1: 31 of 1,613,632 alleles (0.0019%); highest among the groups gnomAD compares: Middle Eastern, 0.13%; 1 homozygote.

Submissions (4):

Labcorp Genetics (formerly Invitae), Labcorp
Classification: Likely benign for Long QT syndrome. Last evaluated: 2025-12-24. Review status: criteria provided, single submitter. Criteria: Invitae Variant Classification Sherloc (09022015). Collection method: clinical testing. Allele origin: germline.

Blueprint Genetics
Classification: Likely benign. Last evaluated: 2024-08-16. Review status: criteria provided, single submitter. Criteria: ACMG Guidelines, 2015. Collection method: clinical testing. Allele origin: germline.

Ambry Genetics
Classification: Likely benign for Cardiovascular phenotype. Last evaluated: 2018-11-14. Review status: criteria provided, single submitter. Criteria: Ambry Variant Classification Scheme 2023. Collection method: clinical testing. Allele origin: germline.

GeneDx
Classification: Likely benign. Last evaluated: 2016-06-21. Review status: criteria provided, single submitter. Criteria: GeneDx Variant Classification (06012015). Collection method: clinical testing. Allele origin: germline. Affected: yes.
Comment: This variant is considered likely benign or benign based on one or more of the following criteria: it is a conservative change, it occurs at a poorly conserved position in the protein, it is predicted to be benign by multiple in silico algorithms, and/or has population frequency not consistent with disease.

NM_000719.7(CACNA1C):c.1806G>A (p.Glu602=)

Gene: CACNA1C (calcium voltage-gated channel subunit alpha1 C; plus strand). Cytogenetic location: 12p13.33.
Variant type: single nucleotide variant.
Coding change: c.1806G>A on transcript NM_000719.7 (MANE Select); coding-DNA position 1806, G replaced by A.
Protein change: p.Glu602=; no amino-acid change (glutamic acid 602 retained).
Molecular consequence: synonymous variant.
Genome position (GRCh38, 1-based): chr12:2,567,705, G>A. VCF-style: chr12-2567705-G-A. GRCh37 (hg19) VCF-style: chr12-2676871-G-A.
Other names: c.1806G>A, p.Glu602= (NM_001129827.2, NM_001129829.2, NM_001129830.3 and 18 more transcripts); c.1797G>A, p.Glu599= (NM_001129844.2).
Identifiers: ClinVar variation 386835 (VCV000386835.12), dbSNP rs775181288, ClinGen allele CA6388858.
Genomic context (GRCh38, chr12:2,567,705, plus strand): 5'-CTACTTCGTGTCCCTCTTCAACCGCTTTGACTGCTTCGTCGTGTGTGGCGGCATCCTGGA[G>A]ACCATCCTGGTGGAGACCAAGATCATGTCCCCACTGGGCATCTCCGTGCTCAGATGCGTC-3'
Protein context (NP_000710.5, residues 592-612): DCFVVCGGIL[Glu602=]TILVETKIMS